The following is an entry in ClinVar:

ClinVar aggregate classification (germline): Uncertain significance (1 of 4 stars; one submission).

Conditions:
Xeroderma pigmentosum (XP). Identifiers: Orphanet 910, MedGen C0043346, MONDO:0019600.

Allele frequency attached by ClinVar (database versions not stated): gnomAD exomes below 0.00001.
gnomAD v4.1: 1 of 1,614,038 alleles (0.000062%); highest among the groups gnomAD compares: East Asian, 0.0022%; no homozygotes.

Submission:

Sema4
Classification: Uncertain significance for Xeroderma pigmentosum. Last evaluated: 2021-08-03. Review status: criteria provided, single submitter. Criteria: Sema4 Curation Guidelines. Collection method: curation. Allele origin: germline.
Comment: The ERCC2 c.183+4A>G variant has not been reported in the literature to our knowledge. It was not observed in the large and broad cohorts of the Genome Aggregation Database (PMID: 32461654). The variant has not been reported in ClinVar. In silico tools suggest that the variant may have an impact on splicing, though these predictions have not been confirmed by functional studies. The evidence is insufficient to meet ACMG/AMP criteria for classifying the variant as benign or pathogenic. Thus, the clinical significance of this variant is currently uncertain.

NM_000400.4(ERCC2):c.183+4A>G

Gene: ERCC2 (ERCC excision repair 2, TFIIH core complex helicase subunit; minus strand). Cytogenetic location: 19q13.32.
Variant type: single nucleotide variant.
Coding change: c.183+4A>G on transcript NM_000400.4 (MANE Select); 4 bases into the intron after coding-DNA position 183, A replaced by G.
Molecular consequence: intron variant.
Genome position (GRCh38, 1-based): chr19:45,369,066, T>C on the plus strand (A>G on the coding strand, the complement: ERCC2 is on the minus strand). VCF-style: chr19-45369066-T-C. GRCh37 (hg19) VCF-style: chr19-45872324-T-C.
Other names: c.111+4A>G (NM_001130867.2).
Identifiers: ClinVar variation 1692430 (VCV001692430.1), dbSNP rs1972522411, ClinGen allele CA2573156459.